The following is an entry in ClinVar:

ClinVar aggregate classification (germline): Uncertain significance (1 of 4 stars; one submission).

Conditions:
ATM-related cancer predisposition. Also called: ATM-related cancer susceptibility. Identifiers: MedGen CN377759, MONDO:0700270.

Submission:

Hema, HEMA – Genetic and Molecular Diagnostic Laboratory
Classification: Uncertain significance for ATM-related cancer predisposition. Last evaluated: 2026-09-14. Review status: criteria provided, single submitter. Criteria: HEMA Variant Classification Assertion Criteria. Collection method: clinical testing. Allele origin: germline.
Comment: This is a transversion from cytosine to guanine, which results in leucine 2312 being substituted by valine in the ATM protein. PM2_Supporting: Absent in gnomAD v4.1.2. PP3: The REVEL computational meta-predictor score is 0.86 (>0.733), indicating that the variant affects the function of the ATM protein.

NM_000051.4(ATM):c.6934C>G (p.Leu2312Val)

Genes: ATM (ATM serine/threonine kinase; plus strand), C11orf65 (chromosome 11 open reading frame 65; minus strand). Cytogenetic location: 11q22.3.
Variant type: single nucleotide variant.
Coding change: c.6934C>G on transcript NM_000051.4 (MANE Select); coding-DNA position 6934, C replaced by G.
Protein change: p.Leu2312Val; replaces leucine 2312 with valine.
Molecular consequence: missense variant. On other transcripts: intron variant (2).
Genome position (GRCh38, 1-based): chr11:108,326,184, C>G. VCF-style: chr11-108326184-C-G. GRCh37 (hg19) VCF-style: chr11-108196911-C-G.
Other names: c.6934C>G, p.Leu2312Val (NM_001351834.2); c.641-17113G>C (NM_001330368.2); c.*38+9036G>C (NM_001351110.2); short protein forms L2312V.
Identifiers: ClinVar variation 5042629 (VCV005042629.1).